The following is an entry in ClinVar:

NM_001378457.1(DMXL2):c.3880G>A (p.Ala1294Thr)

Gene: DMXL2 (Dmx like 2; minus strand). Cytogenetic location: 15q21.2.
Variant type: single nucleotide variant.
Coding change: c.3880G>A on transcript NM_001378457.1 (MANE Select); coding-DNA position 3880, G replaced by A.
Protein change: p.Ala1294Thr; replaces alanine 1294 with threonine.
Molecular consequence: missense variant. On other transcripts: non-coding transcript variant (2), intron variant (2).
Genome position (GRCh38, 1-based): chr15:51,499,344, C>T on the plus strand (G>A on the coding strand, the complement: DMXL2 is on the minus strand). VCF-style: chr15-51499344-C-T. GRCh37 (hg19) VCF-style: chr15-51791541-C-T.
Other names: c.3880G>A, p.Ala1294Thr (NM_001174116.3, NM_001378458.1, NM_001378459.1 and 4 more transcripts); c.3640G>A, p.Ala1214Thr (NM_001378464.1); c.2765-7597G>A (NM_001378460.1); c.2765-4210G>A (NM_001174117.3); short protein forms A1294T, A1214T.
Identifiers: ClinVar variation 599427 (VCV000599427.18), dbSNP rs149666891, ClinGen allele CA7562098.

ClinVar aggregate classification (germline): Likely benign. Review status: criteria provided, multiple submitters, no conflicts (2 of 4 stars). 4 submissions from 4 submitters: Likely benign (3). 1 of the submissions does not count toward it. Last evaluated 2026-01-19.

Conditions:
DMXL2-related disorder. Also called: DMXL2-related condition.

Allele frequency attached by ClinVar (database versions not stated): gnomAD exomes 0.00011 and 0.00037; ExAC 0.00043; ESP Exome Variant Server 0.00131; gnomAD 0.00159 and 0.00168; TOPMed 0.00166; 1000 Genomes Project 0.00280; 1000 Genomes Project 30x 0.00281.
gnomAD v4.1: 426 of 1,613,928 alleles (0.026%); highest among the groups gnomAD compares: African/African-American, 0.5%; 1 homozygote.

Submissions (4):

Labcorp Genetics (formerly Invitae), Labcorp
Classification: Likely benign. Last evaluated: 2026-01-19. Review status: criteria provided, single submitter. Criteria: Invitae Variant Classification Sherloc (09022015). Collection method: clinical testing. Allele origin: germline.

ARUP Laboratories, Molecular Genetics and Genomics, ARUP Laboratories
Classification: Likely benign. Last evaluated: 2024-09-17. Review status: criteria provided, single submitter. Criteria: ARUP Molecular Germline Variant Investigation Process 2024. Collection method: clinical testing. Allele origin: germline.

Institute for Genomic Medicine (IGM) Clinical Laboratory, Nationwide Children's Hospital
Classification: Likely benign. Last evaluated: 2017-12-18. Review status: criteria provided, single submitter. Criteria: ACMG Guidelines, 2015. Collection method: clinical testing. Allele origin: germline.
Comment: BS1, BP4; This alteration has an allele frequency that is greater than expected for the associated disease, and is predicted to be tolerated by multiple functional prediction tools.

PreventionGenetics, part of Exact Sciences
Classification: Likely benign for DMXL2-related condition. Last evaluated: 2022-05-20. Review status: no assertion criteria provided. Collection method: clinical testing. Allele origin: germline. Not counted in ClinVar's aggregate classification.
Comment: This variant is classified as likely benign based on ACMG/AMP sequence variant interpretation guidelines (Richards et al. 2015 PMID: 25741868, with internal and published modifications).